The following is an entry in ClinVar:

ClinVar aggregate classification (germline): Likely pathogenic (1 of 4 stars; one submission).

Submission:

Mayo Clinic Laboratories, Mayo Clinic
Classification: Likely pathogenic. Last evaluated: 2023-11-02. Review status: criteria provided, single submitter. Criteria: ACMG Guidelines, 2015. Collection method: clinical testing. Allele origin: germline. Observed: 1 variant allele.
Comment: PM2, PVS1_moderate

NM_001277115.2(DNAH11):c.13457_13469del (p.Arg4486fs)

Genes: CDCA7L (cell division cycle associated 7 like; minus strand), DNAH11 (dynein axonemal heavy chain 11; plus strand). Cytogenetic location: 7p15.3.
Variant type: Deletion.
Coding change: c.13457_13469del on transcript NM_001277115.2 (MANE Select); coding-DNA positions 13457 to 13469, 13 bases deleted (GAGGCCCCAGCTA).
Protein change: p.Arg4486fs; shifts the reading frame from arginine 4486.
Molecular consequence: frameshift variant. On other transcripts: 3 prime UTR variant (3).
Genome position (GRCh38, 1-based): chr7:21,901,160-21,901,172, GAGGCCCCAGCTA deleted; deleting any 13 consecutive bases within chr7:21,901,159-21,901,172 gives the same sequence; the c. name uses the placement nearest the transcript's 3' end. VCF-style (leftmost placement, unchanged base first): chr7-21901158-GAGAGGCCCCAGCT-G. GRCh37 (hg19) VCF-style: chr7-21940776-GAGAGGCCCCAGCT-G.
Other names: p.Arg4486Thrfs*7; c.*1151_*1163del (NM_001127370.3, NM_001127371.3, NM_018719.5); short protein forms R4486fs.
Identifiers: ClinVar variation 3381022 (VCV003381022.1).
Genomic context (GRCh38, chr7:21,901,158, plus strand): 5'-CCCCGTGGACAGACAAGAAACCAAACAGACCTACGAGTGCCCTGTGTATAGAACCAAACT[GAGAGGCCCCAGCT>G]ACATCTGGACCTTCAGGCTGAAGAGCGAAGAGAAGACTGCAAAATGGGTTCTGGCTGGAG-3'